The following is an entry in ClinVar:

NM_001040108.2(MLH3):c.1429G>A (p.Val477Ile)

Gene: MLH3 (mutL homolog 3; minus strand). Cytogenetic location: 14q24.3.
Variant type: single nucleotide variant.
Coding change: c.1429G>A on transcript NM_001040108.2 (MANE Select); coding-DNA position 1429, G replaced by A.
Protein change: p.Val477Ile; replaces valine 477 with isoleucine.
Molecular consequence: missense variant.
Genome position (GRCh38, 1-based): chr14:75,048,227, C>T on the plus strand (G>A on the coding strand, the complement: MLH3 is on the minus strand). VCF-style: chr14-75048227-C-T. GRCh37 (hg19) VCF-style: chr14-75514930-C-T.
Other names: c.1429G>A, p.Val477Ile (NM_014381.3); short protein forms V477I.
Identifiers: ClinVar variation 1772448 (VCV001772448.2), dbSNP rs2139583568, ClinGen allele CA390445730.

ClinVar aggregate classification (germline): Uncertain significance (1 of 4 stars; one submission).

Allele frequency attached by ClinVar (database versions not stated): gnomAD exomes below 0.00001.

Submission:

Ambry Genetics
Classification: Uncertain significance. Last evaluated: 2022-08-17. Review status: criteria provided, single submitter. Criteria: Ambry Variant Classification Scheme 2023. Collection method: clinical testing. Allele origin: germline.
Comment: The p.V477I variant (also known as c.1429G>A), located in coding exon 1 of the MLH3 gene, results from a G to A substitution at nucleotide position 1429. The valine at codon 477 is replaced by isoleucine, an amino acid with highly similar properties. This amino acid position is conserved. In addition, this alteration is predicted to be tolerated by in silico analysis. Since supporting evidence is limited at this time, the clinical significance of this alteration remains unclear.